The following is an entry in ClinVar:

NM_001792.5(CDH2):c.496A>G (p.Ile166Val)

Gene: CDH2 (cadherin 2; minus strand). Cytogenetic location: 18q12.1.
Variant type: single nucleotide variant.
Coding change: c.496A>G on transcript NM_001792.5 (MANE Select); coding-DNA position 496, A replaced by G.
Protein change: p.Ile166Val; replaces isoleucine 166 with valine.
Molecular consequence: missense variant.
Genome position (GRCh38, 1-based): chr18:28,011,896, T>C on the plus strand (A>G on the coding strand, the complement: CDH2 is on the minus strand). VCF-style: chr18-28011896-T-C. GRCh37 (hg19) VCF-style: chr18-25591860-T-C.
Other names: c.403A>G, p.Ile135Val (NM_001308176.2); short protein forms I135V, I166V.
Identifiers: ClinVar variation 4704857 (VCV004704857.1).

ClinVar aggregate classification (germline): Uncertain significance (1 of 4 stars; one submission).

Submission:

Labcorp Genetics (formerly Invitae), Labcorp
Classification: Uncertain significance. Last evaluated: 2025-04-10. Review status: criteria provided, single submitter. Criteria: Invitae Variant Classification Sherloc (09022015). Collection method: clinical testing. Allele origin: germline.
Comment: This sequence change replaces isoleucine, which is neutral and non-polar, with valine, which is neutral and non-polar, at codon 166 of the CDH2 protein (p.Ile166Val). This variant is not present in population databases (gnomAD no frequency). This variant has not been reported in the literature in individuals affected with CDH2-related conditions. An algorithm developed to predict the effect of missense changes on protein structure and function (PolyPhen-2) suggests that this variant is likely to be tolerated. In summary, the available evidence is currently insufficient to determine the role of this variant in disease. Therefore, it has been classified as a Variant of Uncertain Significance.